The following is an entry in ClinVar:

ClinVar aggregate classification (germline): Uncertain significance (1 of 4 stars; one submission).

Conditions:
Perlman syndrome (PRLMNS). Identifiers: Orphanet 2849, MedGen C0796113, MONDO:0009965, OMIM 267000.

Submission:

Labcorp Genetics (formerly Invitae), Labcorp
Classification: Uncertain significance for Perlman syndrome. Last evaluated: 2023-03-26. Review status: criteria provided, single submitter. Criteria: Invitae Variant Classification Sherloc (09022015). Collection method: clinical testing. Allele origin: germline.
Comment: In summary, the available evidence is currently insufficient to determine the role of this variant in disease. Therefore, it has been classified as a Variant of Uncertain Significance. An algorithm developed to predict the effect of missense changes on protein structure and function (PolyPhen-2) suggests that this variant is likely to be tolerated. This variant has not been reported in the literature in individuals affected with DIS3L2-related conditions. This variant is not present in population databases (gnomAD no frequency). This sequence change replaces aspartic acid, which is acidic and polar, with glycine, which is neutral and non-polar, at codon 5 of the DIS3L2 protein (p.Asp5Gly).

NM_152383.5(DIS3L2):c.14A>G (p.Asp5Gly)

Gene: DIS3L2 (DIS3 like 3'-5' exoribonuclease 2; plus strand). Cytogenetic location: 2q37.1.
Variant type: single nucleotide variant.
Coding change: c.14A>G on transcript NM_152383.5 (MANE Select); coding-DNA position 14, A replaced by G.
Protein change: p.Asp5Gly; replaces aspartic acid 5 with glycine.
Molecular consequence: missense variant. On other transcripts: non-coding transcript variant (2).
Genome position (GRCh38, 1-based): chr2:232,014,941, A>G. VCF-style: chr2-232014941-A-G. GRCh37 (hg19) VCF-style: chr2-232879651-A-G.
Other names: c.14A>G, p.Asp5Gly (NM_001257281.2, NM_001257282.2); short protein forms D5G.
Identifiers: ClinVar variation 2849431 (VCV002849431.3), dbSNP rs2469593932, ClinGen allele CA351151045.
Genomic context (GRCh38, chr2:232,014,941, plus strand): 5'-TGGAGGTTTCTCTGGATCTGGAGAGAAGAGTGACCTTGGAGCCAATAATGAGCCATCCTG[A>G]CTACAGAATGAACCTCCGGCCCCTGGGGACCCCCAGAGGTAGTAAAAGGAAAATGGAGTC-3'
Protein context (NP_689596.4, residues 1-15): MSHP[Asp5Gly]YRMNLRPLGT